The following is an entry in ClinVar:

ClinVar aggregate classification (germline): Likely benign (0 of 4 stars; one submission).

Conditions:
HMGB1-related disorder. Also called: HMGB1-related condition.

Allele frequency attached by ClinVar (database versions not stated): ExAC 0.00063; 1000 Genomes Project 30x 0.00109; 1000 Genomes Project 0.00140.
gnomAD v4.1: 362 of 1,552,672 alleles (0.023%); highest among the groups gnomAD compares: South Asian, 0.4%; 4 homozygotes.

Submission:

PreventionGenetics, part of Exact Sciences
Classification: Likely benign for HMGB1-related condition. Last evaluated: 2019-05-10. Review status: no assertion criteria provided. Collection method: clinical testing. Allele origin: germline.
Comment: This variant is classified as likely benign based on ACMG/AMP sequence variant interpretation guidelines (Richards et al. 2015 PMID: 25741868, with internal and published modifications).

NM_002128.7(HMGB1):c.6C>G (p.Gly2=)

Gene: HMGB1 (high mobility group box 1; minus strand). Cytogenetic location: 13q12.3.
Variant type: single nucleotide variant.
Coding change: c.6C>G on transcript NM_002128.7 (MANE Select); coding-DNA position 6, C replaced by G.
Protein change: p.Gly2=; no amino-acid change (glycine 2 retained).
Molecular consequence: synonymous variant.
Genome position (GRCh38, 1-based): chr13:30,463,675, G>C on the plus strand (C>G on the coding strand, the complement: HMGB1 is on the minus strand). VCF-style: chr13-30463675-G-C. GRCh37 (hg19) VCF-style: chr13-31037812-G-C.
Other names: c.6C>G, p.Gly2= (NM_001313892.2, NM_001313893.1, NM_001363661.2 and 3 more transcripts).
Identifiers: ClinVar variation 3042000 (VCV003042000.2), dbSNP rs553654408, ClinGen allele CA6933994.